The following is an entry in ClinVar:

ClinVar aggregate classification (germline): Conflicting classifications of pathogenicity. Review status: criteria provided, conflicting classifications (1 of 4 stars). 2 submissions from 2 submitters: Uncertain significance (1); Likely benign (1). Last evaluated 2023-09-08.

Conditions:
Developmental delay with or without dysmorphic facies and autism. Identifiers: MedGen C5193106, MONDO:0032760, OMIM 618454.

Allele frequency attached by ClinVar (database versions not stated): gnomAD exomes below 0.00001; TOPMed below 0.00001.
gnomAD v4.1: 6 of 1,592,286 alleles (0.00038%); highest among the groups gnomAD compares: Non-Finnish European, 0.00034%; no homozygotes.

Submissions (2):

Blueprint Genetics
Classification: Likely benign. Last evaluated: 2023-09-08. Review status: criteria provided, single submitter. Criteria: ACMG Guidelines, 2015. Collection method: clinical testing. Allele origin: germline.

Victorian Clinical Genetics Services, Murdoch Childrens Research Institute
Classification: Uncertain significance for Developmental delay with or without dysmorphic facies and autism. Last evaluated: 2020-05-01. Review status: criteria provided, single submitter. Criteria: ACMG Guidelines, 2015. Collection method: clinical testing. Allele origin: germline. Inheritance: Autosomal dominant inheritance.
Comment: Based on the classification scheme VCGS_Germline_v1.1.1, this variant is classified as 3C-VUS. Following criteria are met: 0105 - The mechanism of disease for this gene is not clearly established. (N) 0107 - This gene is known to be associated with autosomal dominant disease. (N) 0212 - Non-canonical splice variant without proven consequence on splicing (no functional evidence available). (P) 0251 - Variant is heterozygous. (N) 0301 - Variant is absent from gnomAD. (P) 0506 - Abnormal splicing is not predicted and nucleotide is poorly conserved. (B) 0705 - No comparable splice variants have previous evidence for pathogenicity. (N) 0807 - Variant has not previously been reported in a clinical context. (N) 0905 - No segregation evidence has been identified for this variant. (N) 1007 - No published functional evidence has been identified for this variant. (N) 1208 - Inheritance information for this variant is not currently available. (N) Legend: (P) - Pathogenic, (N) - Neutral, (B) - Benign

NM_001375524.1(TRRAP):c.9023-3T>C

Gene: TRRAP (transformation/transcription domain associated protein; plus strand). Cytogenetic location: 7q22.1.
Variant type: single nucleotide variant.
Coding change: c.9023-3T>C on transcript NM_001375524.1 (MANE Select); 3 bases into the intron before coding-DNA position 9023, T replaced by C.
Molecular consequence: intron variant.
Genome position (GRCh38, 1-based): chr7:98,984,090, T>C. VCF-style: chr7-98984090-T-C. GRCh37 (hg19) VCF-style: chr7-98581713-T-C.
Other names: c.9035-3T>C (NM_001244580.2); c.8948-3T>C (NM_003496.4).
Identifiers: ClinVar variation 1806309 (VCV001806309.2), dbSNP rs1029373835, ClinGen allele CA163079733.